The following is an entry in ClinVar:

ClinVar aggregate classification (germline): Uncertain significance (1 of 4 stars; one submission).

Conditions:
Inborn genetic diseases. Identifiers: MedGen C0950123, MeSH D030342.

Submission:

Ambry Genetics
Classification: Uncertain significance for Inborn genetic diseases. Last evaluated: 2025-08-26. Review status: criteria provided, single submitter. Criteria: Ambry Variant Classification Scheme 2023. Collection method: clinical testing. Allele origin: germline.
Comment: The c.3992+5G>T intronic alteration results from a G to T substitution 5 nucleotides after coding exon 24 in the CACNA1A gene. for CACNA1A-related neurologic disorders; however, it is unlikely to be causative of CACNA1A-related spinocerebellar ataxia. This variant was not reported in population-based cohorts in the Genome Aggregation Database (gnomAD). This nucleotide position is highly conserved in available vertebrate species. In silico splice site analysis predicts that this alteration will weaken the native splice donor site and will result in the creation or strengthening of a novel splice donor site. Based on insufficient or conflicting evidence, the clinical significance of this alteration remains unclear.

NM_001127222.2(CACNA1A):c.3989+5G>T

Genes: CACNA1A (calcium voltage-gated channel subunit alpha1 A; minus strand), LOC126862865 (CDK7 strongly-dependent group 2 enhancer GRCh37_chr19:13385818-13387017; plus strand). Cytogenetic location: 19p13.13.
Variant type: single nucleotide variant.
Coding change: c.3989+5G>T on transcript NM_001127222.2 (MANE Select); 5 bases into the intron after coding-DNA position 3989, G replaced by T.
Molecular consequence: intron variant.
Genome position (GRCh38, 1-based): chr19:13,275,845, C>A on the plus strand (G>T on the coding strand, the complement: CACNA1A is on the minus strand). VCF-style: chr19-13275845-C-A. GRCh37 (hg19) VCF-style: chr19-13386659-C-A.
Other names: c.3992+5G>T (NM_001127221.2, NM_001174080.2); c.4001+5G>T (NM_000068.4, NM_023035.3).
Identifiers: ClinVar variation 4217717 (VCV004217717.1).